The following is an entry in ClinVar:

ClinVar aggregate classification (germline): Uncertain significance (1 of 4 stars; one submission).

Conditions:
Combined immunodeficiency due to STK4 deficiency (IMD110). Also called: STK4 DEFICIENCY; MST1 DEFICIENCY; T-cell immunodeficiency, recurrent infections, and autoimmunity with or without cardiac malformations. Identifiers: Orphanet 314689, MedGen C3553943, MONDO:0013934, OMIM 614868.

gnomAD v4.1: 11 of 1,614,032 alleles (0.00068%); highest among the groups gnomAD compares: African/African-American, 0.004%; no homozygotes.

Submission:

Labcorp Genetics (formerly Invitae), Labcorp
Classification: Uncertain significance for Combined immunodeficiency due to STK4 deficiency. Last evaluated: 2024-11-08. Review status: criteria provided, single submitter. Criteria: Invitae Variant Classification Sherloc (09022015). Collection method: clinical testing. Allele origin: germline.
Comment: This sequence change replaces glycine, which is neutral and non-polar, with serine, which is neutral and polar, at codon 53 of the STK4 protein (p.Gly53Ser). This variant is present in population databases (rs770860898, gnomAD 0.007%). This variant has not been reported in the literature in individuals affected with STK4-related conditions. Invitae Evidence Modeling of protein sequence and biophysical properties (such as structural, functional, and spatial information, amino acid conservation, physicochemical variation, residue mobility, and thermodynamic stability) indicates that this missense variant is not expected to disrupt STK4 protein function with a negative predictive value of 95%. In summary, the available evidence is currently insufficient to determine the role of this variant in disease. Therefore, it has been classified as a Variant of Uncertain Significance.

NM_006282.5(STK4):c.157G>A (p.Gly53Ser)

Gene: STK4 (serine/threonine kinase 4; plus strand). Cytogenetic location: 20q13.12.
Variant type: single nucleotide variant.
Coding change: c.157G>A on transcript NM_006282.5 (MANE Select); coding-DNA position 157, G replaced by A.
Protein change: p.Gly53Ser; replaces glycine 53 with serine.
Molecular consequence: missense variant.
Genome position (GRCh38, 1-based): chr20:44,978,483, G>A. VCF-style: chr20-44978483-G-A. GRCh37 (hg19) VCF-style: chr20-43607124-G-A.
Other names: c.157G>A, p.Gly53Ser (NM_001352385.2); short protein forms G53S.
Identifiers: ClinVar variation 3707758 (VCV003707758.1).